The following is an entry in ClinVar:

NM_000186.4(CFH):c.2021T>C (p.Val674Ala)

Gene: CFH (complement factor H; plus strand). Cytogenetic location: 1q31.3.
Variant type: single nucleotide variant.
Coding change: c.2021T>C on transcript NM_000186.4 (MANE Select); coding-DNA position 2021, T replaced by C.
Protein change: p.Val674Ala; replaces valine 674 with alanine.
Molecular consequence: missense variant.
Genome position (GRCh38, 1-based): chr1:196,726,617, T>C. VCF-style: chr1-196726617-T-C. GRCh37 (hg19) VCF-style: chr1-196695747-T-C.
Other names: short protein forms V674A.
Identifiers: ClinVar variation 4996983 (VCV004996983.1).

ClinVar aggregate classification (germline): Uncertain significance (1 of 4 stars; one submission).

Conditions:
CFH-related disorder. Also called: CFH-related disorders; CFH-related condition.

gnomAD v4.1: 6 of 1,611,894 alleles (0.00037%); highest among the groups gnomAD compares: Non-Finnish European, 0.00042%; no homozygotes.

Submission:

PreventionGenetics, part of Exact Sciences
Classification: Uncertain significance for CFH-related condition. Last evaluated: 2025-09-09. Review status: criteria provided, single submitter. Criteria: ACMG Guidelines, 2015. Collection method: clinical testing. Allele origin: germline.
Comment: The CFH c.2021T>C variant is predicted to result in the amino acid substitution p.Val674Ala. To our knowledge, this variant has not been reported in the literature or in a large population database (gnomAD), indicating this variant is rare. At this time, the clinical significance of this variant is uncertain due to the absence of conclusive functional and genetic evidence.